The following is an entry in ClinVar:

NM_024079.5(ALG8):c.32G>C (p.Gly11Ala)

Gene: ALG8 (ALG8 alpha-1,3-glucosyltransferase; minus strand). Cytogenetic location: 11q14.1.
Variant type: single nucleotide variant.
Coding change: c.32G>C on transcript NM_024079.5 (MANE Select); coding-DNA position 32, G replaced by C.
Protein change: p.Gly11Ala; replaces glycine 11 with alanine.
Molecular consequence: missense variant.
Genome position (GRCh38, 1-based): chr11:78,139,557, C>G on the plus strand (G>C on the coding strand, the complement: ALG8 is on the minus strand). VCF-style: chr11-78139557-C-G. GRCh37 (hg19) VCF-style: chr11-77850603-C-G.
Other names: c.32G>C, p.Gly11Ala (NM_001007027.3); short protein forms G11A.
Identifiers: ClinVar variation 306227 (VCV000306227.17), dbSNP rs538716086, ClinGen allele CA6203607.

ClinVar aggregate classification (germline): Benign/Likely benign. Review status: criteria provided, multiple submitters, no conflicts (2 of 4 stars). 2 submissions from 2 submitters: Benign (1); Likely benign (1). Last evaluated 2025-12-19.

Conditions:
ALG8 congenital disorder of glycosylation. Also called: CONGENITAL DISORDER OF GLYCOSYLATION, TYPE Ih; CDG Ih; ALG8-CDG. Identifiers: Orphanet 79325, MedGen C2931002, MONDO:0011969, OMIM 608104.

Allele frequency attached by ClinVar (database versions not stated): gnomAD 0.00001 and 0.00003; TOPMed 0.00001; gnomAD exomes 0.00013 and 0.00040; ExAC 0.00109.
gnomAD v4.1: 189 of 1,561,088 alleles (0.012%); highest among the groups gnomAD compares: South Asian, 0.22%; 3 homozygotes.

Submissions (2):

Labcorp Genetics (formerly Invitae), Labcorp
Classification: Benign for ALG8 congenital disorder of glycosylation. Last evaluated: 2025-12-19. Review status: criteria provided, single submitter. Criteria: Invitae Variant Classification Sherloc (09022015). Collection method: clinical testing. Allele origin: germline.

CeGaT Center for Human Genetics Tuebingen
Classification: Likely benign. Last evaluated: 2025-07-01. Review status: criteria provided, single submitter. Criteria: CeGaT Center For Human Genetics Tuebingen Variant Classification Criteria Version 2. Collection method: clinical testing. Allele origin: germline. Affected: yes. Observed: 1 variant allele.
Comment: ALG8: BP4, BS1